The following is an entry in ClinVar:

ClinVar aggregate classification (germline): Uncertain significance (1 of 4 stars; one submission).

Conditions:
Inborn genetic diseases. Identifiers: MedGen C0950123, MeSH D030342.

gnomAD v4.1: 1 of 1,613,684 alleles (0.000062%); highest among the groups gnomAD compares: Admixed American, 0.0017%; no homozygotes.

Submission:

Ambry Genetics
Classification: Uncertain significance for Inborn genetic diseases. Last evaluated: 2025-06-01. Review status: criteria provided, single submitter. Criteria: Ambry Variant Classification Scheme 2023. Collection method: clinical testing. Allele origin: germline.
Comment: The p.G253R variant (also known as c.757G>C), located in coding exon 7 of the ANKRD26 gene, results from a G to C substitution at nucleotide position 757. The glycine at codon 253 is replaced by arginine, an amino acid with dissimilar properties. This amino acid position is conserved. In addition, this alteration is predicted to be tolerated by in silico analysis. Based on the available evidence, the clinical significance of this variant remains unclear.

NM_014915.3(ANKRD26):c.757G>C (p.Gly253Arg)

Gene: ANKRD26 (ankyrin repeat domain containing 26; minus strand). Cytogenetic location: 10p12.1.
Variant type: single nucleotide variant.
Coding change: c.757G>C on transcript NM_014915.3 (MANE Select); coding-DNA position 757, G replaced by C.
Protein change: p.Gly253Arg; replaces glycine 253 with arginine.
Molecular consequence: missense variant.
Genome position (GRCh38, 1-based): chr10:27,079,145, C>G on the plus strand (G>C on the coding strand, the complement: ANKRD26 is on the minus strand). VCF-style: chr10-27079145-C-G. GRCh37 (hg19) VCF-style: chr10-27368074-C-G.
Other names: c.757G>C, p.Gly253Arg (NM_001256053.2); short protein forms G253R.
Identifiers: ClinVar variation 3914938 (VCV003914938.1).